The following is an entry in ClinVar:

NM_000215.4(JAK3):c.2734G>T (p.Asp912Tyr)

Gene: JAK3 (Janus kinase 3; minus strand). Cytogenetic location: 19p13.11.
Variant type: single nucleotide variant.
Coding change: c.2734G>T on transcript NM_000215.4 (MANE Select); coding-DNA position 2734, G replaced by T.
Protein change: p.Asp912Tyr; replaces aspartic acid 912 with tyrosine.
Molecular consequence: missense variant.
Genome position (GRCh38, 1-based): chr19:17,831,745, C>A on the plus strand (G>T on the coding strand, the complement: JAK3 is on the minus strand). VCF-style: chr19-17831745-C-A. GRCh37 (hg19) VCF-style: chr19-17942554-C-A.
Other names: short protein forms D912Y.
Identifiers: ClinVar variation 1473118 (VCV001473118.8), dbSNP rs2147676935, ClinGen allele CA404765664.

ClinVar aggregate classification (germline): Uncertain significance (1 of 4 stars; one submission).

Conditions:
T-B+ severe combined immunodeficiency due to JAK3 deficiency. Also called: SCID, T CELL-NEGATIVE, B CELL-POSITIVE, NK CELL-NEGATIVE; SCID, autosomal recessive, T-negative/B-positive type. Identifiers: Orphanet 35078, MedGen C1833275, MONDO:0010938, OMIM 600802.

gnomAD v4.1: 1 of 1,612,524 alleles (0.000062%); highest among the groups gnomAD compares: Non-Finnish European, 0.000085%; no homozygotes.

Submission:

Labcorp Genetics (formerly Invitae), Labcorp
Classification: Uncertain significance for T-B+ severe combined immunodeficiency due to JAK3 deficiency. Last evaluated: 2021-07-27. Review status: criteria provided, single submitter. Criteria: Invitae Variant Classification Sherloc (09022015). Collection method: clinical testing. Allele origin: germline.
Comment: In summary, the available evidence is currently insufficient to determine the role of this variant in disease. Therefore, it has been classified as a Variant of Uncertain Significance. Advanced modeling of protein sequence and biophysical properties (such as structural, functional, and spatial information, amino acid conservation, physicochemical variation, residue mobility, and thermodynamic stability) performed at Invitae indicates that this missense variant is expected to disrupt JAK3 protein function. This variant has not been reported in the literature in individuals affected with JAK3-related conditions. This variant is not present in population databases (ExAC no frequency). This sequence change replaces aspartic acid with tyrosine at codon 912 of the JAK3 protein (p.Asp912Tyr). The aspartic acid residue is moderately conserved and there is a large physicochemical difference between aspartic acid and tyrosine.